The following is an entry in ClinVar:

NM_025219.3(DNAJC5):c.*1936T>C

Gene: DNAJC5 (DnaJ heat shock protein family (Hsp40) member C5; plus strand). Cytogenetic location: 20q13.33.
Variant type: single nucleotide variant.
Coding change: c.*1936T>C on transcript NM_025219.3 (MANE Select); 1936 bases downstream of the stop codon, T replaced by C.
Molecular consequence: 3 prime UTR variant.
Genome position (GRCh38, 1-based): chr20:63,933,504, T>C. VCF-style: chr20-63933504-T-C. GRCh37 (hg19) VCF-style: chr20-62564857-T-C.
Identifiers: ClinVar variation 896558 (VCV000896558.4), dbSNP rs574966040, ClinGen allele CA317525297.

ClinVar aggregate classification (germline): Benign (1 of 4 stars; one submission).

Conditions:
Ceroid lipofuscinosis, neuronal, 4 (Kufs type) (CLN4). Also called: Ceroid lipofuscinosis, neuronal, 4, Parry type; Neuronal ceroid lipofuscinosis 4B. Identifiers: Orphanet 228343, Orphanet 79262, MedGen C1834207, MONDO:0008083, OMIM 162350.

Allele frequency attached by ClinVar (database versions not stated): gnomAD 0.00001 and 0.00014; TOPMed 0.00003; 1000 Genomes Project 0.00160; 1000 Genomes Project 30x 0.00172.

Submission:

Illumina Laboratory Services, Illumina
Classification: Benign for Ceroid lipofuscinosis, neuronal, 4 (Kufs type). Last evaluated: 2018-01-13. Review status: criteria provided, single submitter. Criteria: ICSL Variant Classification Criteria 13 December 2019. Collection method: clinical testing. Allele origin: germline.
Comment: This variant was observed in the ICSL laboratory as part of a predisposition screen in an ostensibly healthy population. It had not been previously curated by ICSL or reported in the Human Gene Mutation Database (HGMD: prior to June 1st, 2018), and was therefore a candidate for classification through an automated scoring system. Utilizing variant allele frequency, disease prevalence and penetrance estimates, and inheritance mode, an automated score was calculated to assess if this variant is too frequent to cause the disease. Based on the score and internal cut-off values, a variant classified as benign is not then subjected to further curation. The score for this variant resulted in a classification of benign for this disease.